The following is an entry in ClinVar:

NM_012210.4(TRIM32):c.1424_1426dup (p.Ile475_Thr476insIle)

Genes: ASTN2 (astrotactin 2; minus strand), TRIM32 (tripartite motif containing 32; plus strand). Cytogenetic location: 9q33.1.
Variant type: Duplication.
Coding change: c.1424_1426dup on transcript NM_012210.4 (MANE Select); coding-DNA positions 1424 to 1426, 3 bases duplicated (TCA; older notation c.1424_1426dupTCA).
Protein change: p.Ile475_Thr476insIle.
Molecular consequence: inframe insertion. On other transcripts: intron variant (3).
Genome position (GRCh38, 1-based): chr9:116,699,166-116,699,168, TCA duplicated; duplicating any 3 consecutive bases within chr9:116,699,165-116,699,168 gives the same sequence; the c. name uses the placement nearest the transcript's 3' end. VCF-style (leftmost placement, unchanged base first): chr9-116699164-T-TATC. GRCh37 (hg19) VCF-style: chr9-119461443-T-TATC.
Other names: c.1424_1426dup, p.Ile475_Thr476insIle (NM_001099679.2, NM_001379048.1, NM_001379049.1 and 1 more transcripts); c.2653+26604_2653+26606dup (NM_014010.5); c.2794+26604_2794+26606dup (NM_001365069.1); c.2806+26604_2806+26606dup (NM_001365068.1).
Identifiers: ClinVar variation 813981 (VCV000813981.1), dbSNP rs1588218148, ClinGen allele CA658820639.

ClinVar aggregate classification (germline): Uncertain significance (1 of 4 stars; one submission).

Conditions:
Sarcotubular myopathy (LGMDR8). Also called: Limb-girdle muscular dystrophy, type 2H; Autosomal recessive limb-girdle muscular dystrophy type 2H; MUSCULAR DYSTROPHY, LIMB-GIRDLE, AUTOSOMAL RECESSIVE 8; Hutterite type of muscular dystrophy. Identifiers: Orphanet 1878, MedGen C0270968, MONDO:0009683, OMIM 254110.

Submission:

Broad Center for Mendelian Genomics, Broad Institute of MIT and Harvard
Classification: Uncertain significance for Sarcotubular myopathy. Last evaluated: 2018-12-03. Review status: criteria provided, single submitter. Criteria: ACMG Guidelines, 2015. Collection method: research. Allele origin: germline. Inheritance: Autosomal recessive inheritance. Affected: yes.
Comment: The p.Ile475dup variant in TRIM32 has not been previously reported in individuals with LGMD and was absent from large population studies. Computational tools suggest this variant will create a nearby splice site. However, this information is not predictive enough to determine pathogenicity. In summary, while there is some suspicion for a pathogenic role, the clinical significance of this variant is uncertain. ACMG/AMP Criteria applied: PM2, PM4, PP3 (Richards 2015).